The following is an entry in ClinVar:

NM_198586.3(NHLRC1):c.1091C>A (p.Ser364Ter)

Gene: NHLRC1 (NHL repeat containing E3 ubiquitin protein ligase 1; minus strand). Cytogenetic location: 6p22.3.
Variant type: single nucleotide variant.
Coding change: c.1091C>A on transcript NM_198586.3 (MANE Select); coding-DNA position 1091, C replaced by A.
Protein change: p.Ser364Ter; replaces serine 364 with a stop codon.
Molecular consequence: nonsense.
Genome position (GRCh38, 1-based): chr6:18,121,516, G>T on the plus strand (C>A on the coding strand, the complement: NHLRC1 is on the minus strand). VCF-style: chr6-18121516-G-T. GRCh37 (hg19) VCF-style: chr6-18121747-G-T.
Other names: short protein forms S364*.
Identifiers: ClinVar variation 860910 (VCV000860910.10), dbSNP rs78324544, ClinGen allele CA362824843.
Genomic context (GRCh38, chr6:18,121,516, plus strand): 5'-GATGCTGTGTCCAGCACAAGAAGAGAATTCTCCTTGGTGAAGGTAAGAGCCACAGGATGC[G>T]AAAGACCATGAGTGACCATGGGCTTCGGTACTGGAAACTCCTCAGGTTTTCCTAAGCAAA-3'

ClinVar aggregate classification (germline): Pathogenic (1 of 4 stars; one submission).

Conditions:
Lafora disease. Also called: Progressive Myoclonus Epilepsy, Lafora Type; Epilepsy progressive myoclonic 2. Identifiers: Orphanet 501, MedGen C0751783, MONDO:0009697.

Submission:

Labcorp Genetics (formerly Invitae), Labcorp
Classification: Pathogenic for Lafora disease. Last evaluated: 2019-12-27. Review status: criteria provided, single submitter. Criteria: Invitae Variant Classification Sherloc (09022015). Collection method: clinical testing. Allele origin: germline.
Comment: This variant is not present in population databases (ExAC no frequency). For these reasons, this variant has been classified as Pathogenic. This variant disrupts the C-terminus of the NHLRC1 protein. Other variant(s) that disrupt this region (Val367Trpfs*21) have been determined to be pathogenic (PMID: 12958597). This variant is also known as p.V367fs20 in the literature. This suggests that variants that disrupt this region of the protein are likely to be causative of disease. Experimental studies and prediction algorithms are not available or were not evaluated, and the functional significance of this variant is currently unknown. This variant has been observed in individual(s) with progressive myoclonic epilepsy (Invitae). This sequence change results in a premature translational stop signal in the NHLRC1 gene (p.Ser364*). While this is not anticipated to result in nonsense mediated decay, it is expected to disrupt the last 32 amino acids of the NHLRC1 protein.

Literature cited by the submitters: PubMed 12958597.